The following is an entry in ClinVar:

ClinVar aggregate classification (germline): Conflicting classifications of pathogenicity. Review status: criteria provided, conflicting classifications (1 of 4 stars). 9 submissions from 9 submitters: Uncertain significance (7); Likely benign (2). Last evaluated 2026-03-30.

Conditions:
TTN-related disorder. Also called: TTN-related condition; TTN-related disease; TTN-related disorders.
Autosomal recessive limb-girdle muscular dystrophy type 2J (LGMDR10). Also called: Limb-girdle muscular dystrophy, type 2J; MUSCULAR DYSTROPHY, LIMB-GIRDLE, AUTOSOMAL RECESSIVE 10. Identifiers: Orphanet 140922, MedGen C1837342, MONDO:0012127, OMIM 608807.
Dilated cardiomyopathy 1G (CMD1G). Identifiers: Orphanet 154, MedGen C1858763, MONDO:0011400, OMIM 604145.
Early-onset myopathy with fatal cardiomyopathy (CMYO5). Also called: Salih Myopathy; CONGENITAL MYOPATHY 5 WITH CARDIOMYOPATHY. Identifiers: Orphanet 289377, MedGen C2673677, MONDO:0012714, OMIM 611705. Disease mechanism: loss of function.
Myopathy, myofibrillar, 9, with early respiratory failure (MFM9). Also called: EDSTROM MYOPATHY; MYOPATHY, PROXIMAL, WITH EARLY RESPIRATORY MUSCLE INVOLVEMENT; Myopathy, distal, with early respiratory failure, autosomal dominant; Hereditary myopathy with early respiratory failure. Identifiers: Orphanet 178464, Orphanet 34521, MedGen C1863599, MONDO:0011362, OMIM 603689.
Tibial muscular dystrophy (TMD). Also called: Tibial muscular dystrophy, tardive; UDD MYOPATHY; Udd Distal Myopathy – Tibial Muscular Dystrophy. Identifiers: Orphanet 609, MedGen C1838244, MONDO:0010870, OMIM 600334.
Hypertrophic cardiomyopathy 9. Also called: Familial hypertrophic cardiomyopathy 9. Identifiers: MedGen C1861065, MONDO:0013412, OMIM 613765.

Allele frequency attached by ClinVar (database versions not stated): gnomAD 0.00004; TOPMed 0.00005; gnomAD exomes 0.00006; ExAC 0.00010.

Submissions (9):

PreventionGenetics, part of Exact Sciences
Classification: Uncertain significance for TTN-related condition. Last evaluated: 2026-03-30. Review status: criteria provided, single submitter. Criteria: ACMG Guidelines, 2015. Collection method: clinical testing. Allele origin: germline.
Comment: The TTN c.66187G>C variant is predicted to result in the amino acid substitution p.Val22063Leu. This variant has been reported in one case of sudden unexplained death (described as p.Val19495Leu in Table S1, Martinez-Barrios et al. 2023. PubMed ID: 36693943) and in a case of Bannayan–Riley–Ruvalcaba syndrome (Yehia et al. 2017. PubMed ID: 29263846). This variant has also been reported in an individual with dilated cardiomyopathy; however, this individual also carried a FLNC nonsense variant which could explain the phenotype (patient #16, Angelova et al. 2024. doi: 10.3897/bgcardio.30.e127156). This variant is reported in 0.014% of alleles in individuals of European (Non-Finnish) descent in gnomAD. At this time, the clinical significance of this variant is uncertain due to the absence of conclusive functional and genetic evidence.

Molecular Diagnostic Laboratory for Inherited Cardiovascular Disease, Montreal Heart Institute
Classification: Likely benign. Last evaluated: 2025-07-24. Review status: criteria provided, single submitter. Criteria: ACMG Guidelines, 2015. Collection method: clinical testing. Allele origin: germline. Affected: no.
Comment: BP1

Blueprint Genetics
Classification: Likely benign. Last evaluated: 2024-08-30. Review status: criteria provided, single submitter. Criteria: ACMG Guidelines, 2015. Collection method: clinical testing. Allele origin: germline.

Revvity Omics, Revvity
Classification: Uncertain significance. Last evaluated: 2024-06-13. Review status: criteria provided, single submitter. Criteria: ACMG Guidelines, 2015. Collection method: clinical testing. Allele origin: germline.

Fulgent Genetics
Classification: Uncertain significance for Tibial muscular dystrophy; Myopathy, myofibrillar, 9, with early respiratory failure; Dilated cardiomyopathy 1G; Autosomal recessive limb-girdle muscular dystrophy type 2J; Early-onset myopathy with fatal cardiomyopathy; Hypertrophic cardiomyopathy 9. Last evaluated: 2022-04-14. Review status: criteria provided, single submitter. Criteria: ACMG Guidelines, 2015. Collection method: clinical testing. Allele origin: unknown.

CeGaT Center for Human Genetics Tuebingen
Classification: Uncertain significance. Last evaluated: 2018-05-01. Review status: criteria provided, single submitter. Criteria: CeGaT Center For Human Genetics Tuebingen Variant Classification Criteria Version 2. Collection method: clinical testing. Allele origin: germline. Affected: yes. Observed: 1 variant allele.

Labcorp Genetics (formerly Invitae), Labcorp
Classification: Uncertain significance for Dilated cardiomyopathy 1G; Autosomal recessive limb-girdle muscular dystrophy type 2J. Last evaluated: 2018-01-05. Review status: criteria provided, single submitter. Criteria: Invitae Variant Classification Sherloc (09022015). Collection method: clinical testing. Allele origin: germline.

GeneDx
Classification: Uncertain significance. Last evaluated: 2017-04-12. Review status: criteria provided, single submitter. Criteria: GeneDx Variant Classification (06012015). Collection method: clinical testing. Allele origin: germline. Affected: yes.
Comment: A variant of uncertain significance has been identified in the TTN gene. While the V20422L variant has not been published as pathogenic or been reported as benign to our knowledge, it has been classified as a variant of uncertain significance (reported as V22063L using alternate nomenclature) by another clinical laboratory in ClinVar (SCV000228406.3; Landrum et al., 2016). This variant is observed in 12/65,868 (0.02%) alleles from individuals of European ancestry in the ExAC dataset (Lek et al., 2016; Exome Variant Server). The V20422L variant is a conservative amino acid substitution, which is not likely to impact secondary protein structure as these residues share similar properties. This substitution occurs at a position where amino acids with similar properties to valine are tolerated across species. In silico analysis is inconsistent in its predictions as to whether or not the missense substitution is damaging to the protein structure/function. Nevertheless, the V20422L variant is predicted to strengthen a potential downstream cryptic splice acceptor site, which may lead to abnormal gene splicing. Guanine (G) is not conserved across species but only purines are observed as wild-type at this position. In the absence of functional mRNA studies, the physiological consequence of this variant cannot be precisely determined.

Eurofins Ntd Llc (ga)
Classification: Uncertain significance. Last evaluated: 2015-05-05. Review status: criteria provided, single submitter. Criteria: EGL Classification Definitions 2015. Collection method: clinical testing. Allele origin: germline. Observed: 2 variant alleles, 2 heterozygotes.

NM_001267550.2(TTN):c.66187G>C (p.Val22063Leu)

Genes: TTN-AS1 (TTN antisense RNA 1; plus strand), TTN (titin; minus strand). Cytogenetic location: 2q31.2.
Variant type: single nucleotide variant.
Coding change: c.66187G>C on transcript NM_001267550.2 (MANE Select); coding-DNA position 66187, G replaced by C.
Protein change: p.Val22063Leu; replaces valine 22063 with leucine.
Molecular consequence: missense variant.
Genome position (GRCh38, 1-based): chr2:178,582,182, C>G on the plus strand (G>C on the coding strand, the complement: TTN is on the minus strand). VCF-style: chr2-178582182-C-G. GRCh37 (hg19) VCF-style: chr2-179446909-C-G.
Other names: c.61264G>C, p.Val20422Leu (NM_001256850.1); c.38992G>C, p.Val12998Leu (NM_003319.4); c.58483G>C, p.Val19495Leu (NM_133378.4); c.39367G>C, p.Val13123Leu (NM_133432.3); c.39568G>C, p.Val13190Leu (NM_133437.4); short protein forms V22063L, V19495L, V20422L, V13123L, V13190L, V12998L.
Identifiers: ClinVar variation 196002 (VCV000196002.56), dbSNP rs768057735, ClinGen allele CA242742.
Genomic context (GRCh38, chr2:178,582,182, plus strand): 5'-CATCATCTGCTGGTGGCTTCCAGCTGACTGTCATGTGATCTTTGGTTATGTTGCTAATAA[C>G]AGGAGGATCACAGCGTCCTGGTGGGTCTGCAGAAATTGATTGAAAAGTTAATTTCCCAGG-3'
Protein context (NP_001254479.2, residues 22053-22073): YDPPGRCDPP[Val22063Leu]ISNITKDHMT